The following is an entry in ClinVar:

ClinVar aggregate classification (germline): Uncertain significance (1 of 4 stars; one submission).

gnomAD v4.1: 18 of 1,550,034 alleles (0.0012%); highest among the groups gnomAD compares: South Asian, 0.0036%; no homozygotes.

Submission:

GeneDx
Classification: Uncertain significance. Last evaluated: 2025-06-13. Review status: criteria provided, single submitter. Criteria: GeneDx Variant Classification Process June 2021. Collection method: clinical testing. Allele origin: germline. Affected: yes.
Comment: Not observed at significant frequency in large population cohorts (gnomAD); In silico analysis suggests that this missense variant does not alter protein structure/function; Has not been previously published as pathogenic or benign to our knowledge

NM_001292063.2(OTOG):c.5413G>A (p.Asp1805Asn)

Gene: OTOG (otogelin; plus strand). Cytogenetic location: 11p15.1.
Variant type: single nucleotide variant.
Coding change: c.5413G>A on transcript NM_001292063.2 (MANE Select); coding-DNA position 5413, G replaced by A.
Protein change: p.Asp1805Asn; replaces aspartic acid 1805 with asparagine.
Molecular consequence: missense variant.
Genome position (GRCh38, 1-based): chr11:17,610,713, G>A. VCF-style: chr11-17610713-G-A. GRCh37 (hg19) VCF-style: chr11-17632260-G-A.
Other names: c.5449G>A, p.Asp1817Asn (NM_001277269.2); short protein forms D1805N, D1817N.
Identifiers: ClinVar variation 4537530 (VCV004537530.1).
Genomic context (GRCh38, chr11:17,610,713, plus strand): 5'-ACACCCTTCATGTCCCTTGAGTCAACTCGTCCCTCCCAGCTCCTCTCTGGCCTGCCTCCC[G>A]ACACCAGCCTGCCCCTGGCCAAGGTGGGCACATCTGCCCCAGTGGCCACACCCGGCCCCA-3'
Protein context (NP_001278992.1, residues 1795-1815): PSQLLSGLPP[Asp1805Asn]TSLPLAKVGT